The following is an entry in ClinVar:

ClinVar aggregate classification (germline): Uncertain significance (1 of 4 stars; one submission).

Conditions:
Cardiovascular phenotype. Identifiers: MedGen CN230736.
Hereditary cancer-predisposing syndrome. Also called: Hereditary neoplastic syndrome; Neoplastic Syndromes, Hereditary; Tumor predisposition; Hereditary Cancer Syndrome. Identifiers: Orphanet 140162, MedGen C0027672, MeSH D009386, MONDO:0015356.

Submission:

Ambry Genetics
Classification: Uncertain significance for Cardiovascular phenotype; Hereditary cancer-predisposing syndrome. Last evaluated: 2025-09-10. Review status: criteria provided, single submitter. Criteria: Ambry Variant Classification Scheme 2023. Collection method: clinical testing. Allele origin: germline.
Comment: The p.I2109F variant (also known as c.6325A>T), located in coding exon 41 of the NF1 gene, results from an A to T substitution at nucleotide position 6325. The isoleucine at codon 2109 is replaced by phenylalanine, an amino acid with highly similar properties. This amino acid position is conserved. In addition, this alteration is predicted to be deleterious by in silico analysis. Based on the available evidence, the clinical significance of this variant remains unclear.

NM_001042492.3(NF1):c.6388A>T (p.Ile2130Phe)

Gene: NF1 (neurofibromin 1; plus strand). Cytogenetic location: 17q11.2.
Variant type: single nucleotide variant.
Coding change: c.6388A>T on transcript NM_001042492.3 (MANE Select); coding-DNA position 6388, A replaced by T.
Protein change: p.Ile2130Phe; replaces isoleucine 2130 with phenylalanine.
Molecular consequence: missense variant.
Genome position (GRCh38, 1-based): chr17:31,336,875, A>T. VCF-style: chr17-31336875-A-T. GRCh37 (hg19) VCF-style: chr17-29663893-A-T.
Other names: c.6325A>T, p.Ile2109Phe (NM_000267.4); short protein forms I2109F, I2130F.
Identifiers: ClinVar variation 4119191 (VCV004119191.1).